The following is an entry in ClinVar:

ClinVar aggregate classification (germline): Likely pathogenic (1 of 4 stars; one submission).

Conditions:
Emery-Dreifuss muscular dystrophy 4, autosomal dominant (EDMD4). Also called: EMERY-DREIFUSS MUSCULAR DYSTROPHY 4 WITH VARIABLE FEATURES. Identifiers: Orphanet 261, MedGen C2751807, MONDO:0013071, OMIM 612998.
Autosomal recessive ataxia, Beauce type. Also called: Spinocerebellar ataxia, autosomal recessive 8; ATAXIA, RECESSIVE, OF BEAUCE; SYNE1 Deficiency; SYNE1-Related Autosomal Recessive Cerebellar Ataxia. Identifiers: Orphanet 88644, MedGen C1853116, MONDO:0012549, OMIM 610743.

Submission:

Labcorp Genetics (formerly Invitae), Labcorp
Classification: Likely pathogenic for Emery-Dreifuss muscular dystrophy 4, autosomal dominant; Autosomal recessive ataxia, Beauce type. Last evaluated: 2020-05-27. Review status: criteria provided, single submitter. Criteria: Invitae Variant Classification Sherloc (09022015). Collection method: clinical testing. Allele origin: germline.
Comment: This variant has not been reported in the literature in individuals with SYNE1-related conditions. This sequence change affects a donor splice site in intron 22 of the SYNE1 gene. It is expected to disrupt RNA splicing and likely results in an absent or disrupted protein product. This variant is not present in population databases (ExAC no frequency). Algorithms developed to predict the effect of sequence changes on RNA splicing suggest that this variant may disrupt the consensus splice site, but this prediction has not been confirmed by published transcriptional studies. Donor and acceptor splice site variants typically lead to a loss of protein function (PMID: 16199547), and loss-of-function variants in SYNE1 are known to be pathogenic (PMID: 19542096, 24319099, 27086870). In summary, the currently available evidence indicates that the variant is pathogenic, but additional data are needed to prove that conclusively. Therefore, this variant has been classified as Likely Pathogenic.

Literature cited by the submitters: PubMed 16199547; PubMed 19542096; PubMed 24319099; PubMed 27086870.

NM_182961.4(SYNE1):c.2568+1G>A

Gene: SYNE1 (spectrin repeat containing nuclear envelope protein 1; minus strand). Cytogenetic location: 6q25.2.
Variant type: single nucleotide variant.
Coding change: c.2568+1G>A on transcript NM_182961.4 (MANE Select); the canonical splice donor site of the intron after coding-DNA position 2568, G replaced by A.
Molecular consequence: splice donor variant.
Genome position (GRCh38, 1-based): chr6:152,458,756, C>T on the plus strand (G>A on the coding strand, the complement: SYNE1 is on the minus strand). VCF-style: chr6-152458756-C-T. GRCh37 (hg19) VCF-style: chr6-152779891-C-T.
Other names: c.2589+1G>A (NM_033071.5).
Identifiers: ClinVar variation 1068433 (VCV001068433.7), dbSNP rs2154261629, ClinGen allele CA366116496.
Genomic context (GRCh38, chr6:152,458,756, plus strand): 5'-ACACCCTGGTCTTGTTACACATGCTTTAGAATAATTGTCTCCTGAAAAGGATTGTTCTCA[C>T]CTGATGTTTTTGTTTAAAAAGGGCACTCGATTGTGCCTCACGCTCAAGAACTGTGATAAT-3'